The following is an entry in ClinVar:

ClinVar aggregate classification (germline): Uncertain significance. Review status: criteria provided, multiple submitters, no conflicts (2 of 4 stars). 2 submissions from 2 submitters: Uncertain significance (2). Last evaluated 2023-03-27.

Conditions:
Combined oxidative phosphorylation defect type 14. Also called: Combined oxidative phosphorylation deficiency 14. Identifiers: Orphanet 319519, MedGen C4755312, MONDO:0013986, OMIM 614946.
Inborn genetic diseases. Identifiers: MedGen C0950123, MeSH D030342.

Allele frequency attached by ClinVar (database versions not stated): TOPMed below 0.00001.

Submissions (2):

Ambry Genetics
Classification: Uncertain significance for Inborn genetic diseases. Last evaluated: 2023-03-27. Review status: criteria provided, single submitter. Criteria: Ambry Variant Classification Scheme 2023. Collection method: clinical testing. Allele origin: germline.

Labcorp Genetics (formerly Invitae), Labcorp
Classification: Uncertain significance for Combined oxidative phosphorylation defect type 14. Last evaluated: 2021-08-03. Review status: criteria provided, single submitter. Criteria: Invitae Variant Classification Sherloc (09022015). Collection method: clinical testing. Allele origin: germline.
Comment: In summary, the available evidence is currently insufficient to determine the role of this variant in disease. Therefore, it has been classified as a Variant of Uncertain Significance. Algorithms developed to predict the effect of missense changes on protein structure and function are either unavailable or do not agree on the potential impact of this missense change (SIFT: "Deleterious"; PolyPhen-2: "Probably Damaging"; Align-GVGD: "Class C0"). This variant has not been reported in the literature in individuals affected with FARS2-related conditions. This variant is not present in population databases (ExAC no frequency). This sequence change replaces glycine with serine at codon 303 of the FARS2 protein (p.Gly303Ser). The glycine residue is moderately conserved and there is a small physicochemical difference between glycine and serine.

NM_006567.5(FARS2):c.907G>A (p.Gly303Ser)

Gene: FARS2 (phenylalanyl-tRNA synthetase 2, mitochondrial; plus strand). Cytogenetic location: 6p25.1.
Variant type: single nucleotide variant.
Coding change: c.907G>A on transcript NM_006567.5 (MANE Select); coding-DNA position 907, G replaced by A.
Protein change: p.Gly303Ser; replaces glycine 303 with serine.
Molecular consequence: missense variant.
Genome position (GRCh38, 1-based): chr6:5,545,182, G>A. VCF-style: chr6-5545182-G-A. GRCh37 (hg19) VCF-style: chr6-5545415-G-A.
Other names: c.907G>A, p.Gly303Ser (NM_001318872.2, NM_001374875.1, NM_001374876.1 and 4 more transcripts); c.775G>A, p.Gly259Ser (NM_001375258.1); c.211G>A, p.Gly71Ser (NM_001375259.1, NM_001375260.1); c.907G>A (NM_006567.3); short protein forms G259S, G303S, G71S.
Identifiers: ClinVar variation 1492780 (VCV001492780.7), dbSNP rs1770886046, ClinGen allele CA362736382.